The following is an entry in ClinVar:

ClinVar aggregate classification (germline): Uncertain significance (1 of 4 stars; one submission).

Submission:

GeneDx
Classification: Uncertain significance. Last evaluated: 2025-07-23. Review status: criteria provided, single submitter. Criteria: GeneDx Variant Classification Process June 2021. Collection method: clinical testing. Allele origin: germline. Affected: yes.
Comment: Not observed at significant frequency in large population cohorts (gnomAD); In silico analysis suggests that this missense variant does not alter protein structure/function; Has not been previously published as pathogenic or benign to our knowledge

NM_003590.5(CUL3):c.32G>A (p.Arg11Gln)

Genes: CUL3 (cullin 3; minus strand), LOC129935709 (ATAC-STARR-seq lymphoblastoid silent region 12382; plus strand). Cytogenetic location: 2q36.2.
Variant type: single nucleotide variant.
Coding change: c.32G>A on transcript NM_003590.5 (MANE Select); coding-DNA position 32, G replaced by A.
Protein change: p.Arg11Gln; replaces arginine 11 with glutamine.
Molecular consequence: missense variant.
Genome position (GRCh38, 1-based): chr2:224,584,978, C>T on the plus strand (G>A on the coding strand, the complement: CUL3 is on the minus strand). VCF-style: chr2-224584978-C-T. GRCh37 (hg19) VCF-style: chr2-225449695-C-T.
Other names: c.32G>A, p.Arg11Gln (NM_001257197.2); short protein forms R11Q.
Identifiers: ClinVar variation 4687036 (VCV004687036.1).